The following is an entry in ClinVar:

NM_003079.5(SMARCE1):c.1211T>C (p.Ile404Thr)

Gene: SMARCE1 (SWI/SNF related BAF chromatin remodeling complex subunit E1; minus strand). Cytogenetic location: 17q21.2.
Variant type: single nucleotide variant.
Coding change: c.1211T>C on transcript NM_003079.5 (MANE Select); coding-DNA position 1211, T replaced by C.
Protein change: p.Ile404Thr; replaces isoleucine 404 with threonine.
Molecular consequence: missense variant.
Genome position (GRCh38, 1-based): chr17:40,628,810, A>G on the plus strand (T>C on the coding strand, the complement: SMARCE1 is on the minus strand). VCF-style: chr17-40628810-A-G. GRCh37 (hg19) VCF-style: chr17-38785062-A-G.
Other names: short protein forms I404T.
Identifiers: ClinVar variation 1750539 (VCV001750539.11), dbSNP rs2508592426, ClinGen allele CA399360799.

ClinVar aggregate classification (germline): Uncertain significance. Review status: criteria provided, multiple submitters, no conflicts (2 of 4 stars). 3 submissions from 3 submitters: Uncertain significance (3). Last evaluated 2025-06-04.

Conditions:
Hereditary cancer-predisposing syndrome. Also called: Hereditary neoplastic syndrome; Neoplastic Syndromes, Hereditary; Tumor predisposition; Hereditary Cancer Syndrome. Identifiers: Orphanet 140162, MedGen C0027672, MeSH D009386, MONDO:0015356.
Familial meningioma. Also called: Meningioma, familial, susceptibility to. Identifiers: Orphanet 263662, MedGen C3551915, MONDO:0011789, OMIM 607174.

Allele frequency attached by ClinVar (database versions not stated): gnomAD exomes below 0.00001.
gnomAD v4.1: 1 of 1,613,438 alleles (0.000062%); highest among the groups gnomAD compares: Non-Finnish European, 0.000085%; no homozygotes.

Submissions (3):

Labcorp Genetics (formerly Invitae), Labcorp
Classification: Uncertain significance for Familial meningioma. Last evaluated: 2025-06-04. Review status: criteria provided, single submitter. Criteria: Invitae Variant Classification Sherloc (09022015). Collection method: clinical testing. Allele origin: germline.
Comment: This sequence change replaces isoleucine, which is neutral and non-polar, with threonine, which is neutral and polar, at codon 404 of the SMARCE1 protein (p.Ile404Thr). This variant is not present in population databases (gnomAD no frequency). This variant has not been reported in the literature in individuals affected with SMARCE1-related conditions. ClinVar contains an entry for this variant (Variation ID: 1750539). An algorithm developed to predict the effect of missense changes on protein structure and function outputs the following: PolyPhen-2: "Not Available". The threonine amino acid residue is found in multiple mammalian species, which suggests that this missense change does not adversely affect protein function. In summary, the available evidence is currently insufficient to determine the role of this variant in disease. Therefore, it has been classified as a Variant of Uncertain Significance.

CeGaT Center for Human Genetics Tuebingen
Classification: Uncertain significance. Last evaluated: 2025-06-01. Review status: criteria provided, single submitter. Criteria: CeGaT Center For Human Genetics Tuebingen Variant Classification Criteria Version 2. Collection method: clinical testing. Allele origin: germline. Affected: yes. Observed: 1 variant allele.
Comment: SMARCE1: PM2, BP4

Ambry Genetics
Classification: Uncertain significance for Hereditary cancer-predisposing syndrome. Last evaluated: 2020-03-01. Review status: criteria provided, single submitter. Criteria: Ambry Variant Classification Scheme 2023. Collection method: clinical testing. Allele origin: germline.
Comment: The p.I404T variant (also known as c.1211T>C), located in coding exon 10 of the SMARCE1 gene, results from a T to C substitution at nucleotide position 1211. The isoleucine at codon 404 is replaced by threonine, an amino acid with similar properties. This amino acid position is poorly conserved in available vertebrate species. In addition, this alteration is predicted to be tolerated by in silico analysis. Since supporting evidence is limited at this time, the clinical significance of this alteration remains unclear.